The following is an entry in ClinVar:

NM_001852.4(COL9A2):c.1707G>T (p.Lys569Asn)

Gene: COL9A2 (collagen type IX alpha 2 chain; minus strand). Cytogenetic location: 1p34.2.
Variant type: single nucleotide variant.
Coding change: c.1707G>T on transcript NM_001852.4 (MANE Select); coding-DNA position 1707, G replaced by T.
Protein change: p.Lys569Asn; replaces lysine 569 with asparagine.
Molecular consequence: missense variant.
Genome position (GRCh38, 1-based): chr1:40,302,706, C>A on the plus strand (G>T on the coding strand, the complement: COL9A2 is on the minus strand). VCF-style: chr1-40302706-C-A. GRCh37 (hg19) VCF-style: chr1-40768378-C-A.
Other names: short protein forms K569N.
Identifiers: ClinVar variation 1421538 (VCV001421538.8), dbSNP rs1569699749, ClinGen allele CA339876242.
Genomic context (GRCh38, chr1:40,302,706, plus strand): 5'-ACCCACGGCTCCCACGATGCCAGGAACGCCCCGAGGGCCAGGGTGCCCATGGGGGCCCTG[C>A]TTGCCTGGGTACCCAGGGGGCCCAGGAGGTCCTGGAGGACCCATCATGCCCACCGCACCC-3'
Protein context (NP_001843.1, residues 559-579): GPPGPPGYPG[Lys569Asn]QGPHGHPGPR

ClinVar aggregate classification (germline): Uncertain significance (1 of 4 stars; one submission).

Submission:

Labcorp Genetics (formerly Invitae), Labcorp
Classification: Uncertain significance. Last evaluated: 2020-11-23. Review status: criteria provided, single submitter. Criteria: Invitae Variant Classification Sherloc (09022015). Collection method: clinical testing. Allele origin: germline.
Comment: In summary, the available evidence is currently insufficient to determine the role of this variant in disease. Therefore, it has been classified as a Variant of Uncertain Significance. Advanced modeling of protein sequence and biophysical properties (such as structural, functional, and spatial information, amino acid conservation, physicochemical variation, residue mobility, and thermodynamic stability) performed at Invitae indicates that this missense variant is not expected to disrupt COL9A2 protein function. This variant has not been reported in the literature in individuals with COL9A2-related conditions. This variant is not present in population databases (ExAC no frequency). This sequence change replaces lysine with asparagine at codon 569 of the COL9A2 protein (p.Lys569Asn). The lysine residue is moderately conserved and there is a moderate physicochemical difference between lysine and asparagine.